The following is an entry in ClinVar:

NC_000004.12:g.1394895C>G

Genes: CRIPAK (cysteine rich PAK1 inhibitor; plus strand), UVSSA (UV stimulated scaffold protein A; plus strand), LOC126806945 (P300/CBP strongly-dependent group 1 enhancer GRCh37_chr4:1388225-1389424; plus strand). Cytogenetic location: 4p16.3.
Variant type: single nucleotide variant.
Genome position: GRCh38 VCF-style: chr4-1394895-C-G. GRCh37 (hg19) VCF-style: chr4-1388683-C-G.
Identifiers: ClinVar variation 4822265 (VCV004822265.4).

ClinVar aggregate classification (germline): Likely benign (1 of 4 stars; one submission).

Submission:

CeGaT Center for Human Genetics Tuebingen
Classification: Likely benign. Last evaluated: 2026-02-01. Review status: criteria provided, single submitter. Criteria: CeGaT Center For Human Genetics Tuebingen Variant Classification Criteria Version 2. Collection method: clinical testing. Allele origin: germline. Affected: yes. Observed: 1 variant allele.
Comment: CRIPAK: PM2:Supporting, BP4, BP7